The following is an entry in ClinVar:

NM_015047.3(EMC1):c.2064+3A>G

Genes: EMC1 (ER membrane protein complex subunit 1; minus strand), EMC1-AS1 (EMC1 antisense RNA 1; plus strand). Cytogenetic location: 1p36.13.
Variant type: single nucleotide variant.
Coding change: c.2064+3A>G on transcript NM_015047.3 (MANE Select); 3 bases into the intron after coding-DNA position 2064, A replaced by G.
Molecular consequence: intron variant.
Genome position (GRCh38, 1-based): chr1:19,230,841, T>C on the plus strand (A>G on the coding strand, the complement: EMC1 is on the minus strand). VCF-style: chr1-19230841-T-C. GRCh37 (hg19) VCF-style: chr1-19557335-T-C.
Other names: c.1998+3A>G (NM_001271429.2); c.2061+3A>G (NM_001271427.2, NM_001271428.2); c.2070+3A>G (NM_001375821.1); c.2073+3A>G (NM_001375820.1).
Identifiers: ClinVar variation 1359694 (VCV001359694.6), dbSNP rs2093515651, ClinGen allele CA999271457.

ClinVar aggregate classification (germline): Uncertain significance (1 of 4 stars; one submission).

Allele frequency attached by ClinVar (database versions not stated): gnomAD exomes below 0.00001; gnomAD 0.00001.
gnomAD v4.1: 2 of 1,613,180 alleles (0.00012%); highest among the groups gnomAD compares: South Asian, 0.0011%; no homozygotes.

Submission:

Labcorp Genetics (formerly Invitae), Labcorp
Classification: Uncertain significance. Last evaluated: 2022-02-05. Review status: criteria provided, single submitter. Criteria: Invitae Variant Classification Sherloc (09022015). Collection method: clinical testing. Allele origin: germline.
Comment: In summary, the available evidence is currently insufficient to determine the role of this variant in disease. Therefore, it has been classified as a Variant of Uncertain Significance. Variants that disrupt the consensus splice site are a relatively common cause of aberrant splicing (PMID: 17576681, 9536098). Algorithms developed to predict the effect of sequence changes on RNA splicing suggest that this variant may disrupt the consensus splice site. This variant has not been reported in the literature in individuals affected with EMC1-related conditions. This variant is not present in population databases (gnomAD no frequency). This sequence change falls in intron 17 of the EMC1 gene. It does not directly change the encoded amino acid sequence of the EMC1 protein. It affects a nucleotide within the consensus splice site.

Literature cited by the submitters: PubMed 17576681; PubMed 9536098.